The following is an entry in ClinVar:

ClinVar aggregate classification (germline): Likely benign (1 of 4 stars; one submission).

Submission:

CeGaT Center for Human Genetics Tuebingen
Classification: Likely benign. Last evaluated: 2026-03-01. Review status: criteria provided, single submitter. Criteria: CeGaT Center For Human Genetics Tuebingen Variant Classification Criteria Version 2. Collection method: clinical testing. Allele origin: germline. Affected: yes. Observed: 2 variant alleles.
Comment: LOC128092250: BS2

NM_001414935.1(LOC128092250):c.48GCC[5] (p.Pro22_Leu23insPro)

Genes: NRG1 (neuregulin 1; plus strand), LOC128092250 (uncharacterized LOC128092250; plus strand). Cytogenetic location: 8p12.
Variant type: Microsatellite.
Coding change: c.48GCC[5] on transcript NM_001414935.1 (MANE Select); five copies in a row of the 3-base unit GCC starting at c.48; the reference has four copies in a row; one copy, 3 bases duplicated.
Protein change: p.Pro22_Leu23insPro.
Molecular consequence: intron variant (on NM_013964.5). On other transcripts: 5 prime UTR variant (4).
Genome position (GRCh38, 1-based): chr8:32,647,258-32,647,260, GCC duplicated; duplicating any 3 consecutive bases within chr8:32,647,249-32,647,260 gives the same sequence; the position shown is the placement nearest the transcript's 3' end. VCF-style (leftmost placement, unchanged base first): chr8-32647248-T-TGCC. GRCh37 (hg19) VCF-style: chr8-32504767-T-TGCC.
Other names: c.-469GCC[5] (NM_001322205.2, NM_001322206.2, NM_001322207.2 and 1 more transcripts); c.439+30364GCC[5] (NM_001159999.3); c.388+32685GCC[5] (NM_001159995.3); c.-205+32685GCC[5] (NM_001322201.2); c.337+41566GCC[5] (NM_001160001.3); c.-205+41566GCC[5] (NM_001322202.2); c.1045+41566GCC[5] (NM_013962.3); c.502+30364GCC[5] (NM_013960.5, NM_013964.5, NM_013956.5 and 5 more transcripts); and 2 more.
Identifiers: ClinVar variation 3770403 (VCV003770403.13).